The following is an entry in ClinVar:

NM_005591.4(MRE11):c.545-3C>T

Gene: MRE11 (MRE11 double strand break repair nuclease; minus strand). Cytogenetic location: 11q21.
Variant type: single nucleotide variant.
Coding change: c.545-3C>T on transcript NM_005591.4 (MANE Select); 3 bases into the intron before coding-DNA position 545, C replaced by T.
Molecular consequence: intron variant.
Genome position (GRCh38, 1-based): chr11:94,476,406, G>A on the plus strand (C>T on the coding strand, the complement: MRE11 is on the minus strand). VCF-style: chr11-94476406-G-A. GRCh37 (hg19) VCF-style: chr11-94209572-G-A.
Other names: c.545-3C>T (NM_001330347.2, NM_005590.4).
Identifiers: ClinVar variation 483650 (VCV000483650.5), dbSNP rs1555014597, ClinGen allele CA658658086.

ClinVar aggregate classification (germline): Uncertain significance (1 of 4 stars; one submission).

Conditions:
Hereditary cancer-predisposing syndrome. Also called: Neoplastic Syndromes, Hereditary; Tumor predisposition; Hereditary Cancer Syndrome; Hereditary neoplastic syndrome. Identifiers: Orphanet 140162, MedGen C0027672, MeSH D009386, MONDO:0015356.

Submission:

Ambry Genetics
Classification: Uncertain significance for Hereditary cancer-predisposing syndrome. Last evaluated: 2017-06-02. Review status: criteria provided, single submitter. Criteria: Ambry Variant Classification Scheme 2023. Collection method: clinical testing. Allele origin: germline.
Comment: The c.545-3C>T intronic variant results from a C to T substitution 3 nucleotides upstream from coding exon 6 in the MRE11A gene. This nucleotide position is well conserved in available vertebrate species. Using two different splice site prediction tools, this alteration is predicted by ESEfinder to weaken the efficiency of the native splice acceptor site, but is not predicted to have a deleterious effect on this splice acceptor/donor site by BDGP; however, direct evidence is unavailable. Since supporting evidence is limited at this time, the clinical significance of this alteration remains unclear.